The following is an entry in ClinVar:

ClinVar aggregate classification (germline): Likely benign (1 of 4 stars; one submission).

Conditions:
Familial adenomatous polyposis 1 (FAP1). Also called: POLYPOSIS, ADENOMATOUS INTESTINAL; FAMILIAL ADENOMATOUS POLYPOSIS 1, ATTENUATED. Identifiers: MedGen C2713442, MONDO:0021056, OMIM 175100. Disease mechanism: loss of function.

Submission:

Myriad Genetics, Inc.
Classification: Likely benign for Familial adenomatous polyposis 1. Last evaluated: 2024-03-01. Review status: criteria provided, single submitter. Criteria: Myriad Autosomal Dominant, Autosomal Recessive and X-Linked Classification Criteria (2023). Collection method: clinical testing. Allele origin: unknown.
Comment: This variant is considered likely benign. This variant is intronic and is not expected to impact mRNA splicing.

NM_000038.6(APC):c.1313-9_1313-6dup

Gene: APC (APC regulator of Wnt signaling pathway; plus strand). Cytogenetic location: 5q22.2.
Variant type: Duplication.
Coding change: c.1313-9_1313-6dup on transcript NM_000038.6 (MANE Select); 9 bases into the intron before coding-DNA position 1313 through 6 bases into the intron before coding-DNA position 1313, 4 bases duplicated (ATTT; older notation c.1313-9_1313-6dupATTT).
Molecular consequence: intron variant.
Genome position (GRCh38, 1-based): chr5:112,821,887-112,821,890, ATTT duplicated; duplicating any 4 consecutive bases within chr5:112,821,884-112,821,890 gives the same sequence; the c. name uses the placement nearest the transcript's 3' end. VCF-style (leftmost placement, unchanged base first): chr5-112821883-T-TTTTA. GRCh37 (hg19) VCF-style: chr5-112157580-T-TTTTA.
Other names: c.464-9_464-6dup (NM_001407470.1, NM_001354906.2); c.161-9_161-6dup (NM_001407472.1, NM_001407471.1); c.1313-9_1313-6dup (NM_001407447.1, NM_001354895.2, NM_001354896.2 and 4 more transcripts); c.1238-9_1238-6dup (NM_001407451.1, NM_001354898.2); c.935-9_935-6dup (NM_001354904.2); c.1010-9_1010-6dup (NM_001407456.1, NM_001407460.1, NM_001407454.1 and 5 more transcripts); c.1229-9_1229-6dup (NM_001407452.1, NM_001354899.2); c.926-9_926-6dup (NM_001407469.1, NM_001407467.1); and 5 more.
Identifiers: ClinVar variation 3148643 (VCV003148643.1), dbSNP rs2149791674, ClinGen allele CA2825001382.